The following is an entry in ClinVar:

NM_003737.4(DCHS1):c.1058G>A (p.Arg353Gln)

Gene: DCHS1 (dachsous cadherin-related 1; minus strand). Cytogenetic location: 11p15.4.
Variant type: single nucleotide variant.
Coding change: c.1058G>A on transcript NM_003737.4 (MANE Select); coding-DNA position 1058, G replaced by A.
Protein change: p.Arg353Gln; replaces arginine 353 with glutamine.
Molecular consequence: missense variant.
Genome position (GRCh38, 1-based): chr11:6,640,556, C>T on the plus strand (G>A on the coding strand, the complement: DCHS1 is on the minus strand). VCF-style: chr11-6640556-C-T. GRCh37 (hg19) VCF-style: chr11-6661787-C-T.
Other names: short protein forms R353Q.
Identifiers: ClinVar variation 713247 (VCV000713247.15), dbSNP rs139223913, ClinGen allele CA5861034.
Genomic context (GRCh38, chr11:6,640,556, plus strand): 5'-GGGGAGCCATCTGCACTGAGAAAGATGACAGTCATGGAGGGCTGATTGTCATTGGCATCT[C>T]GCACATGCACAGTCACAAAGGCCGAGCCCAGCTCAGGGTGAGCCCCACCATCTCGTGCTT-3'
Protein context (NP_003728.1, residues 343-363): LGSAFVTVHV[Arg353Gln]DANDNQPSMT

ClinVar aggregate classification (germline): Benign/Likely benign. Review status: criteria provided, multiple submitters, no conflicts (2 of 4 stars). 4 submissions from 4 submitters: Benign (1); Likely benign (2). 1 of the submissions does not count toward it. Last evaluated 2026-01-27.

Conditions:
DCHS1-related disorder. Also called: DCHS1-related condition.

Allele frequency attached by ClinVar (database versions not stated): ESP Exome Variant Server 0.00023; gnomAD exomes 0.00089 and 0.00357; gnomAD 0.00138 and 0.00195; TOPMed 0.00210; ExAC 0.00303; 1000 Genomes Project 30x 0.01109; 1000 Genomes Project 0.01138.
gnomAD v4.1: 1,756 of 1,609,406 alleles (0.11%); highest among the groups gnomAD compares: East Asian, 2.9%; 42 homozygotes.

Submissions (4):

Labcorp Genetics (formerly Invitae), Labcorp
Classification: Benign. Last evaluated: 2026-01-27. Review status: criteria provided, single submitter. Criteria: Invitae Variant Classification Sherloc (09022015). Collection method: clinical testing. Allele origin: germline.

GeneDx
Classification: Likely benign. Last evaluated: 2020-06-03. Review status: criteria provided, single submitter. Criteria: GeneDx Variant Classification Process June 2021. Collection method: clinical testing. Allele origin: germline. Affected: yes.

Breakthrough Genomics
Classification: Likely benign. Review status: criteria provided, single submitter. Criteria: ACMG Guidelines, 2015. Collection method: not provided. Allele origin: germline. Inheritance: Autosomal recessive inheritance. Affected: yes.

PreventionGenetics, part of Exact Sciences
Classification: Benign for DCHS1-related condition. Last evaluated: 2019-07-12. Review status: no assertion criteria provided. Collection method: clinical testing. Allele origin: germline. Not counted in ClinVar's aggregate classification.
Comment: This variant is classified as benign based on ACMG/AMP sequence variant interpretation guidelines (Richards et al. 2015 PMID: 25741868, with internal and published modifications).